The following is an entry in ClinVar:

ClinVar aggregate classification (germline): Uncertain significance (1 of 4 stars; one submission).

Submission:

GeneDx
Classification: Uncertain significance. Last evaluated: 2025-06-11. Review status: criteria provided, single submitter. Criteria: GeneDx Variant Classification Process June 2021. Collection method: clinical testing. Allele origin: germline. Affected: yes.
Comment: Not observed at significant frequency in large population cohorts (gnomAD); In-frame deletion of 1 amino acid in a non-repeat region; In silico analysis suggests that this variant does not alter protein structure/function; Has not been previously published as pathogenic or benign to our knowledge

NM_000384.3(APOB):c.12255CAA[1] (p.Asn4086del)

Gene: APOB (apolipoprotein B; minus strand). Cytogenetic location: 2p24.1.
Variant type: Microsatellite.
Coding change: c.12255CAA[1] on transcript NM_000384.3 (MANE Select); one copy of the 3-base unit CAA starting at c.12255; the reference has two copies in a row; one copy, 3 bases deleted.
Protein change: p.Asn4086del; deletes asparagine 4086.
Genome position (GRCh38, 1-based): chr2:21,003,162-21,003,164, TTG deleted on the plus strand (CAA on the coding strand, the reverse complement: APOB is on the minus strand); deleting any 3 consecutive bases within chr2:21,003,162-21,003,167 gives the same sequence; the position shown is the placement nearest the transcript's 3' end. VCF-style (leftmost placement, unchanged base first): chr2-21003161-CTTG-C. GRCh37 (hg19) VCF-style: chr2-21226033-CTTG-C.
Other names: short protein forms N4086del.
Identifiers: ClinVar variation 4537731 (VCV004537731.1).